The following is an entry in ClinVar:

ClinVar aggregate classification (germline): Uncertain significance (1 of 4 stars; one submission).

Conditions:
Inborn genetic diseases. Identifiers: MedGen C0950123, MeSH D030342.

Allele frequency attached by ClinVar (database versions not stated): TOPMed below 0.00001.

Submission:

Ambry Genetics
Classification: Uncertain significance for Inborn genetic diseases. Last evaluated: 2021-02-13. Review status: criteria provided, single submitter. Criteria: Ambry Variant Classification Scheme 2023. Collection method: clinical testing. Allele origin: germline.
Comment: The c.3247G>T (p.A1083S) alteration is located in exon 27 (coding exon 25) of the MACF1 gene. This alteration results from a G to T substitution at nucleotide position 3247, causing the alanine (A) at amino acid position 1083 to be replaced by a serine (S). The p.A1083S alteration is predicted to be tolerated by in silico analysis. Based on insufficient or conflicting evidence, the clinical significance of this alteration remains unclear.

NM_001394062.1(MACF1):c.3232G>T (p.Ala1078Ser)

Gene: MACF1 (microtubule actin crosslinking factor 1; plus strand). Cytogenetic location: 1p34.3.
Variant type: single nucleotide variant.
Coding change: c.3232G>T on transcript NM_001394062.1 (MANE Select); coding-DNA position 3232, G replaced by T.
Protein change: p.Ala1078Ser; replaces alanine 1078 with serine.
Molecular consequence: missense variant.
Genome position (GRCh38, 1-based): chr1:39,310,962, G>T. VCF-style: chr1-39310962-G-T. GRCh37 (hg19) VCF-style: chr1-39776634-G-T.
Other names: c.3247G>T, p.Ala1083Ser (NM_012090.5); short protein forms A1083S, A1078S.
Identifiers: ClinVar variation 2229591 (VCV002229591.2), dbSNP rs1246075006, ClinGen allele CA339779739.
Genomic context (GRCh38, chr1:39,310,962, plus strand): 5'-TATGAACAGAGGGTGGTCAAACGAATTCAGTCTCTAGCCAGCTCTAGGACTGACAGAGAT[G>T]CCTGGCAGGACAATGCATTAAGGATTGCAGAGCAAGAGGTAAGCCCTAAGAGCCATGTGG-3'
Protein context (NP_001380991.1, residues 1068-1088): SLASSRTDRD[Ala1078Ser]WQDNALRIAE